The following is an entry in ClinVar:

ClinVar aggregate classification (germline): Pathogenic (1 of 4 stars; one submission).

Conditions:
Marfan syndrome (MFS). Also called: MARFAN SYNDROME, TYPE I; FBN1-Related Marfan Syndrome; Marfan syndrome type 1; Marfan's syndrome; Marfan syndrome, classic. Identifiers: Orphanet 284963, Orphanet 558, MedGen C0024796, MONDO:0007947, OMIM 154700.

Submission:

Petrovsky National Research Centre of Surgery, The Federal Agency for Scientific Organizations
Classification: Pathogenic for Marfan syndrome. Last evaluated: 2019-08-02. Review status: criteria provided, single submitter. Criteria: ACMG Guidelines, 2015. Collection method: clinical testing. Allele origin: de novo. Affected: yes. Observed: 1 heterozygote.
Comment: The p.Glu287* variant is absent from large population study (ExAC no frequency). Loss-of-function variants in FBN1 gene are known to be pathogenic (PMID: 17657824, 19293843)(ExAC pLI = 1.00).

NM_000138.5(FBN1):c.859G>T (p.Glu287Ter)

Gene: FBN1 (fibrillin 1; minus strand). Cytogenetic location: 15q21.1.
Variant type: single nucleotide variant.
Coding change: c.859G>T on transcript NM_000138.5 (MANE Select); coding-DNA position 859, G replaced by T.
Protein change: p.Glu287Ter; replaces glutamic acid 287 with a stop codon.
Molecular consequence: nonsense.
Genome position (GRCh38, 1-based): chr15:48,534,083, C>A on the plus strand (G>T on the coding strand, the complement: FBN1 is on the minus strand). VCF-style: chr15-48534083-C-A. GRCh37 (hg19) VCF-style: chr15-48826280-C-A.
Other names: short protein forms E287*.
Identifiers: ClinVar variation 684778 (VCV000684778.3), dbSNP rs1597591602, ClinGen allele CA392352248.